The following is an entry in ClinVar:

NM_001845.6(COL4A1):c.2731C>T (p.Pro911Ser)

Gene: COL4A1 (collagen type IV alpha 1 chain; minus strand). Cytogenetic location: 13q34.
Variant type: single nucleotide variant.
Coding change: c.2731C>T on transcript NM_001845.6 (MANE Select); coding-DNA position 2731, C replaced by T.
Protein change: p.Pro911Ser; replaces proline 911 with serine.
Molecular consequence: missense variant.
Genome position (GRCh38, 1-based): chr13:110,177,023, G>A on the plus strand (C>T on the coding strand, the complement: COL4A1 is on the minus strand). VCF-style: chr13-110177023-G-A. GRCh37 (hg19) VCF-style: chr13-110829370-G-A.
Other names: c.2731C>T (NM_001845.4); short protein forms P911S.
Identifiers: ClinVar variation 1427537 (VCV001427537.7), dbSNP rs926805569, ClinGen allele CA256255020.

ClinVar aggregate classification (germline): Uncertain significance. Review status: criteria provided, multiple submitters, no conflicts (2 of 4 stars). 2 submissions from 2 submitters: Uncertain significance (2). Last evaluated 2025-12-16.

Allele frequency attached by ClinVar (database versions not stated): gnomAD exomes below 0.00001 and 0.00001; gnomAD 0.00001; TOPMed 0.00001.
gnomAD v4.1: 6 of 1,613,882 alleles (0.00037%); highest among the groups gnomAD compares: Admixed American, 0.0067%; no homozygotes.

Submissions (2):

Labcorp Genetics (formerly Invitae), Labcorp
Classification: Uncertain significance. Last evaluated: 2025-12-16. Review status: criteria provided, single submitter. Criteria: Invitae Variant Classification Sherloc (09022015). Collection method: clinical testing. Allele origin: germline.
Comment: This sequence change replaces proline, which is neutral and non-polar, with serine, which is neutral and polar, at codon 911 of the COL4A1 protein (p.Pro911Ser). This variant is present in population databases (no rsID available, gnomAD 0.003%). This variant has not been reported in the literature in individuals affected with COL4A1-related conditions. ClinVar contains an entry for this variant (Variation ID: 1427537). Invitae Evidence Modeling of protein sequence and biophysical properties (such as structural, functional, and spatial information, amino acid conservation, physicochemical variation, residue mobility, and thermodynamic stability) indicates that this missense variant is not expected to disrupt COL4A1 protein function with a negative predictive value of 95%. In summary, the available evidence is currently insufficient to determine the role of this variant in disease. Therefore, it has been classified as a Variant of Uncertain Significance.

GeneDx
Classification: Uncertain significance. Last evaluated: 2025-01-02. Review status: criteria provided, single submitter. Criteria: GeneDx Variant Classification Process June 2021. Collection method: clinical testing. Allele origin: germline. Affected: yes.
Comment: In silico analysis supports that this missense variant has a deleterious effect on protein structure/function; Has not been previously published as pathogenic or benign to our knowledge; Occurs in the triple helical domain at the Y position in the canonical Gly-X-Y repeat; although this variant may have an effect on normal protein folding and function, missense substitution at the Y position is not a common mechanism of disease